The following is an entry in ClinVar:

ClinVar aggregate classification (germline): Uncertain significance (1 of 4 stars; one submission).

gnomAD v4.1: 1 of 1,613,822 alleles (0.000062%); highest among the groups gnomAD compares: African/African-American, 0.0013%; no homozygotes.

Submission:

Mayo Clinic Laboratories, Mayo Clinic
Classification: Uncertain significance. Last evaluated: 2023-10-30. Review status: criteria provided, single submitter. Criteria: ACMG Guidelines, 2015. Collection method: clinical testing. Allele origin: germline. Observed: 1 variant allele.
Comment: BP4, PM2

NM_002336.3(LRP6):c.3733+5A>G

Gene: LRP6 (LDL receptor related protein 6; minus strand). Cytogenetic location: 12p13.2.
Variant type: single nucleotide variant.
Coding change: c.3733+5A>G on transcript NM_002336.3 (MANE Select); 5 bases into the intron after coding-DNA position 3733, A replaced by G.
Molecular consequence: intron variant.
Genome position (GRCh38, 1-based): chr12:12,135,170, T>C on the plus strand (A>G on the coding strand, the complement: LRP6 is on the minus strand). VCF-style: chr12-12135170-T-C. GRCh37 (hg19) VCF-style: chr12-12288104-T-C.
Other names: c.3733+5A>G (NM_001414245.1, NM_001414246.1, NM_001414248.1 and 2 more transcripts); c.3280+5A>G (NM_001414253.1, NM_001414252.1, NM_001414254.1); c.3535+5A>G (NM_001414247.1); c.3226+5A>G (NM_001414255.1); c.3607+3155A>G (NM_001414251.1); c.3826+5A>G (NM_001414244.1).
Identifiers: ClinVar variation 3380093 (VCV003380093.1).